The following is an entry in ClinVar:

NM_003091.4(SNRPB):c.383C>G (p.Ala128Gly)

Gene: SNRPB (small nuclear ribonucleoprotein polypeptides B and B1; minus strand). Cytogenetic location: 20p13.
Variant type: single nucleotide variant.
Coding change: c.383C>G on transcript NM_003091.4 (MANE Select); coding-DNA position 383, C replaced by G.
Protein change: p.Ala128Gly; replaces alanine 128 with glycine.
Molecular consequence: missense variant.
Genome position (GRCh38, 1-based): chr20:2,463,784, G>C on the plus strand (C>G on the coding strand, the complement: SNRPB is on the minus strand). VCF-style: chr20-2463784-G-C. GRCh37 (hg19) VCF-style: chr20-2444430-G-C.
Other names: c.383C>G, p.Ala128Gly (NM_198216.2); short protein forms A128G.
Identifiers: ClinVar variation 4728284 (VCV004728284.1).

ClinVar aggregate classification (germline): Uncertain significance (1 of 4 stars; one submission).

gnomAD v4.1: 1 of 1,609,624 alleles (0.000062%); highest among the groups gnomAD compares: South Asian, 0.0011%; no homozygotes.

Submission:

Labcorp Genetics (formerly Invitae), Labcorp
Classification: Uncertain significance. Last evaluated: 2025-10-02. Review status: criteria provided, single submitter. Criteria: Invitae Variant Classification Sherloc (09022015). Collection method: clinical testing. Allele origin: germline.
Comment: This sequence change replaces alanine, which is neutral and non-polar, with glycine, which is neutral and non-polar, at codon 128 of the SNRPB protein (p.Ala128Gly). This variant is not present in population databases (gnomAD no frequency). This variant has not been reported in the literature in individuals affected with SNRPB-related conditions. An algorithm developed to predict the effect of missense changes on protein structure and function (PolyPhen-2) suggests that this variant is likely to be tolerated. In summary, the available evidence is currently insufficient to determine the role of this variant in disease. Therefore, it has been classified as a Variant of Uncertain Significance.